The following is an entry in ClinVar:

NM_004304.5(ALK):c.516G>T (p.Glu172Asp)

Gene: ALK (ALK receptor tyrosine kinase; minus strand). Cytogenetic location: 2p23.1.
Variant type: single nucleotide variant.
Coding change: c.516G>T on transcript NM_004304.5 (MANE Select); coding-DNA position 516, G replaced by T.
Protein change: p.Glu172Asp; replaces glutamic acid 172 with aspartic acid.
Molecular consequence: missense variant.
Genome position (GRCh38, 1-based): chr2:29,920,144, C>A on the plus strand (G>T on the coding strand, the complement: ALK is on the minus strand). VCF-style: chr2-29920144-C-A. GRCh37 (hg19) VCF-style: chr2-30143010-C-A.
Other names: short protein forms E172D.
Identifiers: ClinVar variation 951831 (VCV000951831.10), dbSNP rs1667950612, ClinGen allele CA346589893.

ClinVar aggregate classification (germline): Uncertain significance. Review status: criteria provided, multiple submitters, no conflicts (2 of 4 stars). 2 submissions from 2 submitters: Uncertain significance (2). Last evaluated 2025-01-11.

Conditions:
Neuroblastoma, susceptibility to, 3. Also called: ALK-Related Neuroblastic Tumor Susceptibility. Identifiers: Orphanet 635, MedGen C2751681, MONDO:0013083, OMIM 613014.
Hereditary cancer-predisposing syndrome. Also called: Hereditary neoplastic syndrome; Tumor predisposition; Neoplastic Syndromes, Hereditary; Hereditary Cancer Syndrome. Identifiers: Orphanet 140162, MedGen C0027672, MeSH D009386, MONDO:0015356.

Submissions (2):

Ambry Genetics
Classification: Uncertain significance for Hereditary cancer-predisposing syndrome. Last evaluated: 2025-01-11. Review status: criteria provided, single submitter. Criteria: Ambry Variant Classification Scheme 2023. Collection method: clinical testing. Allele origin: germline.
Comment: The p.E172D variant (also known as c.516G>T), located in coding exon 1 of the ALK gene, results from a G to T substitution at nucleotide position 516. The glutamic acid at codon 172 is replaced by aspartic acid, an amino acid with highly similar properties. This amino acid position is conserved. In addition, this alteration is predicted to be tolerated by in silico analysis. Based on the available evidence, the clinical significance of this variant remains unclear.

Labcorp Genetics (formerly Invitae), Labcorp
Classification: Uncertain significance for Neuroblastoma, susceptibility to, 3. Last evaluated: 2022-12-07. Review status: criteria provided, single submitter. Criteria: Invitae Variant Classification Sherloc (09022015). Collection method: clinical testing. Allele origin: germline.
Comment: This variant has not been reported in the literature in individuals affected with ALK-related conditions. In summary, the available evidence is currently insufficient to determine the role of this variant in disease. Therefore, it has been classified as a Variant of Uncertain Significance. Algorithms developed to predict the effect of missense changes on protein structure and function output the following: SIFT: "Deleterious"; PolyPhen-2: "Benign"; Align-GVGD: "Class C0". The aspartic acid amino acid residue is found in multiple mammalian species, which suggests that this missense change does not adversely affect protein function. ClinVar contains an entry for this variant (Variation ID: 951831). This variant is not present in population databases (gnomAD no frequency). This sequence change replaces glutamic acid, which is acidic and polar, with aspartic acid, which is acidic and polar, at codon 172 of the ALK protein (p.Glu172Asp).